The following is an entry in ClinVar:

NM_000044.6(AR):c.2256G>C (p.Trp752Cys)

Gene: AR (androgen receptor; plus strand). Cytogenetic location: Xq12.
Variant type: single nucleotide variant.
Coding change: c.2256G>C on transcript NM_000044.6 (MANE Select); coding-DNA position 2256, G replaced by C.
Protein change: p.Trp752Cys; replaces tryptophan 752 with cysteine.
Molecular consequence: missense variant.
Genome position (GRCh38, 1-based): chrX:67,717,560, G>C. VCF-style: chrX-67717560-G-C. GRCh37 (hg19) VCF-style: chrX-66937402-G-C.
Other names: c.660G>C, p.Trp220Cys (NM_001011645.3); c.2256G>C (NM_000044.4); short protein forms W220C, W752C.
Identifiers: ClinVar variation 4888396 (VCV004888396.1).

ClinVar aggregate classification (germline): Likely pathogenic (1 of 4 stars; one submission).

Conditions:
Androgen resistance syndrome (AIS). Also called: TESTICULAR FEMINIZATION SYNDROME; Androgen insensitivity; Androgen insensitivity syndrome due to coactivator deficiency; Androgen insensitivity, complete; DHTR DEFICIENCY; ANDROGEN RECEPTOR DEFICIENCY. Identifiers: Orphanet 754, Orphanet 99429, MedGen C0039585, MONDO:0019154, OMIM 300068. Disease mechanism: loss of function.

Submission:

New York Genome Center
Classification: Likely pathogenic for Androgen resistance syndrome. Last evaluated: 2024-02-16. Review status: criteria provided, single submitter. Criteria: NYGC Assertion Criteria 2020. Collection method: clinical testing. Allele origin: inherited. Affected: yes. Observed: 2 variant alleles, 2 hemizygotes. Clinical features observed: Ambiguous genitalia (HP:0000062).
Comment: The c.2256G>C variant in AR has not previously been reported in the literature or public variant repositories (ClinVar and LOVD), and is absent from population databases (gnomAD v4.0.0, TOPMed Freeze 10, All of Us), suggesting it is not a common benign variant in the populations represented in those databases. The c.2256G>C variant in AR is located in exon 5 of this 8- exon gene, and is predicted to replace an evolutionarily conserved tryptophan amino acid with cysteine at position 752 (p.(Trp752Cys)) in the LBD domain of the encoded protein. In silico predictions are strongly in favor of damaging effect for the p.(Trp752Cys) variant[CADD v1.6 = 31, REVEL = 0.963]; however, there are no functional studies to support or refute these predictions. Another missense variant affecting the same amino acid residue (c.2254T>G (p.(Trp752Gly)) has been reported in the literature with functional studies in individuals with androgen insensitivity syndrome [PMID:30064134]. Additionally, variants nearby the p.Trp752 residue within the LBD domain have also been reported in the literature [PMID:32985417, 31373714 ] andClinVar [ClinVar ID: 426560, 1065434] in individuals with androgen insensitivity syndrome phenotype. Based on available evidence this inherited hemizygous c.2256G>C p.(Trp752Cys) variant identified in AR is classified as Likely Pathogenic.